The following is an entry in ClinVar:

ClinVar aggregate classification (germline): Uncertain significance (1 of 4 stars; one submission).

Conditions:
Pulmonary fibrosis and/or bone marrow failure, Telomere-related, 3. Also called: PULMONARY FIBROSIS AND/OR BONE MARROW FAILURE SYNDROME, TELOMERE-RELATED, 3. Identifiers: Orphanet 2032, MedGen C4225346, MONDO:0014613, OMIM 616373.
Dyskeratosis congenita, autosomal recessive 5 (DKCB5). Identifiers: MedGen C3554656, MONDO:0014076, OMIM 615190.

gnomAD v4.1: 1 of 1,612,502 alleles (0.000062%); highest among the groups gnomAD compares: Non-Finnish European, 0.000085%; no homozygotes.

Submission:

Labcorp Genetics (formerly Invitae), Labcorp
Classification: Uncertain significance for Dyskeratosis congenita, autosomal recessive 5; Pulmonary fibrosis and/or bone marrow failure, Telomere-related, 3. Last evaluated: 2024-03-21. Review status: criteria provided, single submitter. Criteria: Invitae Variant Classification Sherloc (09022015). Collection method: clinical testing. Allele origin: germline.
Comment: This sequence change replaces serine, which is neutral and polar, with glycine, which is neutral and non-polar, at codon 401 of the RTEL1 protein (p.Ser401Gly). This variant is not present in population databases (gnomAD no frequency). This variant has not been reported in the literature in individuals affected with RTEL1-related conditions. Algorithms developed to predict the effect of missense changes on protein structure and function output the following: SIFT: "Not Available"; PolyPhen-2: "Benign"; Align-GVGD: "Not Available". The glycine amino acid residue is found in multiple mammalian species, which suggests that this missense change does not adversely affect protein function. In summary, the available evidence is currently insufficient to determine the role of this variant in disease. Therefore, it has been classified as a Variant of Uncertain Significance.

NM_001283009.2(RTEL1):c.1201A>G (p.Ser401Gly)

Genes: RTEL1 (regulator of telomere elongation helicase 1; plus strand), RTEL1-TNFRSF6B (RTEL1-TNFRSF6B readthrough (NMD candidate); plus strand). Cytogenetic location: 20q13.33.
Variant type: single nucleotide variant.
Coding change: c.1201A>G on transcript NM_001283009.2 (MANE Select); coding-DNA position 1201, A replaced by G.
Protein change: p.Ser401Gly; replaces serine 401 with glycine.
Molecular consequence: missense variant. On other transcripts: non-coding transcript variant (1).
Genome position (GRCh38, 1-based): chr20:63,685,532, A>G. VCF-style: chr20-63685532-A-G. GRCh37 (hg19) VCF-style: chr20-62316885-A-G.
Other names: c.532A>G, p.Ser178Gly (NM_001283010.1); c.1201A>G, p.Ser401Gly (NM_016434.4); c.1273A>G, p.Ser425Gly (NM_032957.5); short protein forms S178G, S401G, S425G.
Identifiers: ClinVar variation 3748857 (VCV003748857.2).